The following is an entry in ClinVar:

NM_001384140.1(PCDH15):c.1204G>A (p.Gly402Ser)

Gene: PCDH15 (protocadherin related 15; minus strand). Cytogenetic location: 10q21.1.
Variant type: single nucleotide variant.
Coding change: c.1204G>A on transcript NM_001384140.1 (MANE Select); coding-DNA position 1204, G replaced by A.
Protein change: p.Gly402Ser; replaces glycine 402 with serine.
Molecular consequence: missense variant.
Genome position (GRCh38, 1-based): chr10:54,195,784, C>T on the plus strand (G>A on the coding strand, the complement: PCDH15 is on the minus strand). VCF-style: chr10-54195784-C-T. GRCh37 (hg19) VCF-style: chr10-55955544-C-T.
Other names: c.1219G>A, p.Gly407Ser (NM_001142763.2, NM_001142769.4, NM_001142771.2); c.1204G>A, p.Gly402Ser (NM_001142764.2, NM_001142765.2, NM_001142766.2 and 7 more transcripts); c.1093G>A, p.Gly365Ser (NM_001142767.2); c.1138G>A, p.Gly380Ser (NM_001142768.2, NM_001142773.2, NM_001354404.2); short protein forms G365S, G380S, G402S, G407S.
Identifiers: ClinVar variation 1907869 (VCV001907869.5), dbSNP rs2049552333, ClinGen allele CA376519028.

ClinVar aggregate classification (germline): Uncertain significance (1 of 4 stars; one submission).

Submission:

Labcorp Genetics (formerly Invitae), Labcorp
Classification: Uncertain significance. Last evaluated: 2022-09-14. Review status: criteria provided, single submitter. Criteria: Invitae Variant Classification Sherloc (09022015). Collection method: clinical testing. Allele origin: germline.
Comment: In summary, the available evidence is currently insufficient to determine the role of this variant in disease. Therefore, it has been classified as a Variant of Uncertain Significance. Advanced modeling of protein sequence and biophysical properties (such as structural, functional, and spatial information, amino acid conservation, physicochemical variation, residue mobility, and thermodynamic stability) performed at Invitae indicates that this missense variant is expected to disrupt PCDH15 protein function. This variant has not been reported in the literature in individuals affected with PCDH15-related conditions. This variant is not present in population databases (gnomAD no frequency). This sequence change replaces glycine, which is neutral and non-polar, with serine, which is neutral and polar, at codon 402 of the PCDH15 protein (p.Gly402Ser).